The following is an entry in ClinVar:

NM_013447.4(ADGRE2):c.1042C>T (p.Leu348Phe)

Gene: ADGRE2 (adhesion G protein-coupled receptor E2; minus strand). Cytogenetic location: 19p13.12.
Variant type: single nucleotide variant.
Coding change: c.1042C>T on transcript NM_013447.4 (MANE Select); coding-DNA position 1042, C replaced by T.
Protein change: p.Leu348Phe; replaces leucine 348 with phenylalanine.
Molecular consequence: missense variant.
Genome position (GRCh38, 1-based): chr19:14,764,475, G>A on the plus strand (C>T on the coding strand, the complement: ADGRE2 is on the minus strand). VCF-style: chr19-14764475-G-A. GRCh37 (hg19) VCF-style: chr19-14875287-G-A.
Other names: c.1042C>T, p.Leu348Phe (NM_001271052.1); c.895C>T, p.Leu299Phe (NM_152916.2); c.763C>T, p.Leu255Phe (NM_152917.2); short protein forms L255F, L299F, L348F.
Identifiers: ClinVar variation 3628527 (VCV003628527.2).

ClinVar aggregate classification (germline): Uncertain significance (1 of 4 stars; one submission).

gnomAD v4.1: 42 of 1,613,112 alleles (0.0026%); highest among the groups gnomAD compares: Non-Finnish European, 0.0033%; no homozygotes.

Submission:

Labcorp Genetics (formerly Invitae), Labcorp
Classification: Uncertain significance. Last evaluated: 2025-10-13. Review status: criteria provided, single submitter. Criteria: Invitae Variant Classification Sherloc (09022015). Collection method: clinical testing. Allele origin: germline.
Comment: This sequence change replaces leucine, which is neutral and non-polar, with phenylalanine, which is neutral and non-polar, at codon 348 of the ADGRE2 protein (p.Leu348Phe). This variant is present in population databases (no rsID available, gnomAD 0.0009%). This variant has not been reported in the literature in individuals affected with ADGRE2-related conditions. ClinVar contains an entry for this variant (Variation ID: 3628527). An algorithm developed to predict the effect of missense changes on protein structure and function (PolyPhen-2) suggests that this variant is likely to be disruptive. In summary, the available evidence is currently insufficient to determine the role of this variant in disease. Therefore, it has been classified as a Variant of Uncertain Significance.